The following is an entry in ClinVar:

ClinVar aggregate classification (germline): Uncertain significance. Review status: criteria provided, multiple submitters, no conflicts (2 of 4 stars). 2 submissions from 2 submitters: Uncertain significance (2). Last evaluated 2026-03-04.

Conditions:
Hereditary cancer-predisposing syndrome. Also called: Hereditary Cancer Syndrome; Tumor predisposition; Neoplastic Syndromes, Hereditary; Hereditary neoplastic syndrome. Identifiers: Orphanet 140162, MedGen C0027672, MeSH D009386, MONDO:0015356.
Breast-ovarian cancer, familial, susceptibility to, 4. Identifiers: Orphanet 145, MedGen C3280345, MONDO:0013669, OMIM 614291.

Submissions (2):

Ambry Genetics
Classification: Uncertain significance for Hereditary cancer-predisposing syndrome. Last evaluated: 2026-03-04. Review status: criteria provided, single submitter. Criteria: Ambry Variant Classification Scheme 2023. Collection method: clinical testing. Allele origin: germline.
Comment: The p.G285E variant (also known as c.854G>A), located in coding exon 9 of the RAD51D gene, results from a G to A substitution at nucleotide position 854. The glycine at codon 285 is replaced by glutamic acid, an amino acid with similar properties. This amino acid position is conserved. In addition, this alteration is predicted to be tolerated by in silico analysis. Based on the available evidence, the clinical significance of this variant remains unclear.

Labcorp Genetics (formerly Invitae), Labcorp
Classification: Uncertain significance for Breast-ovarian cancer, familial, susceptibility to, 4. Last evaluated: 2025-08-20. Review status: criteria provided, single submitter. Criteria: Invitae Variant Classification Sherloc (09022015). Collection method: clinical testing. Allele origin: germline.
Comment: This sequence change replaces glycine, which is neutral and non-polar, with glutamic acid, which is acidic and polar, at codon 285 of the RAD51D protein (p.Gly285Glu). This variant is not present in population databases (gnomAD no frequency). This variant has not been reported in the literature in individuals affected with RAD51D-related conditions. ClinVar contains an entry for this variant (Variation ID: 849999). Invitae Evidence Modeling of protein sequence and biophysical properties (such as structural, functional, and spatial information, amino acid conservation, physicochemical variation, residue mobility, and thermodynamic stability) indicates that this missense variant is not expected to disrupt RAD51D protein function with a negative predictive value of 80%. In summary, the available evidence is currently insufficient to determine the role of this variant in disease. Therefore, it has been classified as a Variant of Uncertain Significance.

NM_002878.4(RAD51D):c.854G>A (p.Gly285Glu)

Genes: RAD51D (RAD51 paralog D; minus strand), RAD51L3-RFFL (RAD51L3-RFFL readthrough; minus strand). Cytogenetic location: 17q12.
Variant type: single nucleotide variant.
Coding change: c.854G>A on transcript NM_002878.4 (MANE Select); coding-DNA position 854, G replaced by A.
Protein change: p.Gly285Glu; replaces glycine 285 with glutamic acid.
Molecular consequence: missense variant. On other transcripts: non-coding transcript variant (3).
Genome position (GRCh38, 1-based): chr17:35,101,250, C>T on the plus strand (G>A on the coding strand, the complement: RAD51D is on the minus strand). VCF-style: chr17-35101250-C-T. GRCh37 (hg19) VCF-style: chr17-33428269-C-T.
Other names: c.914G>A, p.Gly305Glu (NM_001142571.2); c.518G>A, p.Gly173Glu (NM_133629.3); short protein forms G285E, G305E, G173E.
Identifiers: ClinVar variation 849999 (VCV000849999.7), dbSNP rs878854565, ClinGen allele CA399086530.
Genomic context (GRCh38, chr17:35,101,250, plus strand): 5'-GGCTGGCTCACCTGTCGGGAAGATTTGGCCAGACACGCCATGCGCCGGCCGCCTGATGCT[C>T]CTGCTCCCTCGATGGTGTCCAGGAGAATCCGAGTGCTGGGCACAAAGCTCCAGGAGCGTC-3'
Protein context (NP_002869.3, residues 275-295): RILLDTIEGA[Gly285Glu]ASGGRRMACL